The following is an entry in ClinVar:

NM_014423.4(AFF4):c.634T>C (p.Ser212Pro)

Gene: AFF4 (ALF transcription elongation factor 4; minus strand). Cytogenetic location: 5q31.1.
Variant type: single nucleotide variant.
Coding change: c.634T>C on transcript NM_014423.4 (MANE Select); coding-DNA position 634, T replaced by C.
Protein change: p.Ser212Pro; replaces serine 212 with proline.
Molecular consequence: missense variant.
Genome position (GRCh38, 1-based): chr5:132,934,431, A>G on the plus strand (T>C on the coding strand, the complement: AFF4 is on the minus strand). VCF-style: chr5-132934431-A-G. GRCh37 (hg19) VCF-style: chr5-132270123-A-G.
Other names: c.634T>C (NM_014423.3); short protein forms S212P.
Identifiers: ClinVar variation 2053683 (VCV002053683.5), dbSNP rs748407117, ClinGen allele CA3409395.

ClinVar aggregate classification (germline): Uncertain significance. Review status: criteria provided, multiple submitters, no conflicts (2 of 4 stars). 2 submissions from 2 submitters: Uncertain significance (2). Last evaluated 2025-09-15.

Conditions:
Cognitive impairment - coarse facies - heart defects - obesity - pulmonary involvement - short stature - skeletal dysplasia syndrome. Also called: Chops syndrome; COGNITIVE IMPAIRMENT, COARSE FACIES, HEART DEFECTS, OBESITY, PULMONARY INVOLVEMENT, SHORT STATURE, AND SKELETAL DYSPLASIA; AFF4-Related CHOPS Syndrome. Identifiers: Orphanet 444077, MedGen C4085597, MONDO:0014609, OMIM 616368.
AFF4-related disorder. Also called: AFF4-related condition.

Allele frequency attached by ClinVar (database versions not stated): gnomAD exomes below 0.00001; ExAC 0.00001; gnomAD 0.00001; TOPMed 0.00002.
gnomAD v4.1: 5 of 1,613,976 alleles (0.00031%); highest among the groups gnomAD compares: Admixed American, 0.0033%; no homozygotes.

Submissions (2):

Labcorp Genetics (formerly Invitae), Labcorp
Classification: Uncertain significance for Cognitive impairment - coarse facies - heart defects - obesity - pulmonary involvement - short stature - skeletal dysplasia syndrome. Last evaluated: 2025-09-15. Review status: criteria provided, single submitter. Criteria: Invitae Variant Classification Sherloc (09022015). Collection method: clinical testing. Allele origin: germline.
Comment: This sequence change replaces serine, which is neutral and polar, with proline, which is neutral and non-polar, at codon 212 of the AFF4 protein (p.Ser212Pro). This variant is present in population databases (rs748407117, gnomAD 0.1%). This variant has not been reported in the literature in individuals affected with AFF4-related conditions. ClinVar contains an entry for this variant (Variation ID: 2053683). Invitae Evidence Modeling of protein sequence and biophysical properties (such as structural, functional, and spatial information, amino acid conservation, physicochemical variation, residue mobility, and thermodynamic stability) indicates that this missense variant is not expected to disrupt AFF4 protein function with a negative predictive value of 80%. In summary, the available evidence is currently insufficient to determine the role of this variant in disease. Therefore, it has been classified as a Variant of Uncertain Significance.

PreventionGenetics, part of Exact Sciences
Classification: Uncertain significance for AFF4-related condition. Last evaluated: 2025-04-28. Review status: criteria provided, single submitter. Criteria: ACMG Guidelines, 2015. Collection method: clinical testing. Allele origin: germline.
Comment: The AFF4 c.634T>C variant is predicted to result in the amino acid substitution p.Ser212Pro. To our knowledge, this variant has not been reported in the literature. This variant is reported in 0.0056% of alleles in individuals of Latino descent in gnomAD. At this time, the clinical significance of this variant is uncertain due to the absence of conclusive functional and genetic evidence.